The following is an entry in ClinVar:

NM_177438.3(DICER1):c.862G>C (p.Val288Leu)

Gene: DICER1 (dicer 1, ribonuclease III; minus strand). Cytogenetic location: 14q32.13.
Variant type: single nucleotide variant.
Coding change: c.862G>C on transcript NM_177438.3 (MANE Select); coding-DNA position 862, G replaced by C.
Protein change: p.Val288Leu; replaces valine 288 with leucine.
Molecular consequence: missense variant. On other transcripts: 5 prime UTR variant (1), non-coding transcript variant (6).
Genome position (GRCh38, 1-based): chr14:95,126,621, C>G on the plus strand (G>C on the coding strand, the complement: DICER1 is on the minus strand). VCF-style: chr14-95126621-C-G. GRCh37 (hg19) VCF-style: chr14-95592958-C-G.
Other names: c.862G>C, p.Val288Leu (NM_001195573.1, NM_001271282.3, NM_001291628.2 and 15 more transcripts); c.580G>C, p.Val194Leu (NM_001395686.1); c.457G>C, p.Val153Leu (NM_001395687.1, NM_001395688.1, NM_001395689.1 and 3 more transcripts); c.295G>C, p.Val99Leu (NM_001395691.1); c.-707G>C (NM_001395697.1); short protein forms V153L, V288L, V99L, V194L.
Identifiers: ClinVar variation 2127402 (VCV002127402.4), dbSNP rs1555375302, ClinGen allele CA390887508.

ClinVar aggregate classification (germline): Uncertain significance (1 of 4 stars; one submission).

Conditions:
DICER1-related tumor predisposition. Also called: DICER1 syndrome; DICER1-related pleuropulmonary blastoma cancer predisposition syndrome. Identifiers: Orphanet 284343, MedGen C3839822, MONDO:0100216.

Submission:

Labcorp Genetics (formerly Invitae), Labcorp
Classification: Uncertain significance for DICER1-related tumor predisposition. Last evaluated: 2022-04-17. Review status: criteria provided, single submitter. Criteria: Invitae Variant Classification Sherloc (09022015). Collection method: clinical testing. Allele origin: germline.
Comment: In summary, the available evidence is currently insufficient to determine the role of this variant in disease. Therefore, it has been classified as a Variant of Uncertain Significance. Algorithms developed to predict the effect of missense changes on protein structure and function (SIFT, PolyPhen-2, Align-GVGD) all suggest that this variant is likely to be tolerated. This variant has not been reported in the literature in individuals affected with DICER1-related conditions. This variant is not present in population databases (gnomAD no frequency). This sequence change replaces valine, which is neutral and non-polar, with leucine, which is neutral and non-polar, at codon 288 of the DICER1 protein (p.Val288Leu).